The following is an entry in ClinVar:

ClinVar aggregate classification (germline): Uncertain significance (1 of 4 stars; one submission).

Allele frequency attached by ClinVar (database versions not stated): ExAC 0.00001; gnomAD 0.00001; TOPMed 0.00001.
gnomAD v4.1: 1 of 1,614,032 alleles (0.000062%); highest among the groups gnomAD compares: African/African-American, 0.0013%; no homozygotes.

Submission:

Labcorp Genetics (formerly Invitae), Labcorp
Classification: Uncertain significance. Last evaluated: 2025-01-06. Review status: criteria provided, single submitter. Criteria: Invitae Variant Classification Sherloc (09022015). Collection method: clinical testing. Allele origin: germline.
Comment: This sequence change replaces glutamic acid, which is acidic and polar, with glutamine, which is neutral and polar, at codon 483 of the JAK1 protein (p.Glu483Gln). This variant is present in population databases (rs756106505, gnomAD 0.007%). This variant has not been reported in the literature in individuals affected with JAK1-related conditions. ClinVar contains an entry for this variant (Variation ID: 2860547). Invitae Evidence Modeling of protein sequence and biophysical properties (such as structural, functional, and spatial information, amino acid conservation, physicochemical variation, residue mobility, and thermodynamic stability) indicates that this missense variant is not expected to disrupt JAK1 protein function with a negative predictive value of 80%. In summary, the available evidence is currently insufficient to determine the role of this variant in disease. Therefore, it has been classified as a Variant of Uncertain Significance.

NM_002227.4(JAK1):c.1447G>C (p.Glu483Gln)

Gene: JAK1 (Janus kinase 1; minus strand). Cytogenetic location: 1p31.3.
Variant type: single nucleotide variant.
Coding change: c.1447G>C on transcript NM_002227.4 (MANE Select); coding-DNA position 1447, G replaced by C.
Protein change: p.Glu483Gln; replaces glutamic acid 483 with glutamine.
Molecular consequence: missense variant.
Genome position (GRCh38, 1-based): chr1:64,857,667, C>G on the plus strand (G>C on the coding strand, the complement: JAK1 is on the minus strand). VCF-style: chr1-64857667-C-G. GRCh37 (hg19) VCF-style: chr1-65323350-C-G.
Other names: c.1447G>C, p.Glu483Gln (NM_001320923.2, NM_001321852.2, NM_001321853.2 and 4 more transcripts); short protein forms E483Q.
Identifiers: ClinVar variation 2860547 (VCV002860547.3), dbSNP rs756106505, ClinGen allele CA892936.